The following is an entry in ClinVar:

ClinVar aggregate classification (germline): Likely pathogenic. Review status: criteria provided, multiple submitters, no conflicts (2 of 4 stars). 2 submissions from 2 submitters: Likely pathogenic (2). Last evaluated 2026-03-06.

Conditions:
Distichiasis-lymphedema syndrome. Also called: LYMPHEDEMA WITH DISTICHIASIS. Identifiers: Orphanet 33001, MedGen C0265345, MONDO:0007922, OMIM 153400.

Submissions (2):

MVZ Martinsried, Medicover Genetics
Classification: Likely pathogenic for Distichiasis-lymphedema syndrome. Last evaluated: 2026-03-06. Review status: criteria provided, single submitter. Criteria: ClinGen Variant Curation SOP V3.2 + Classification Guidance July2025. Collection method: clinical testing. Allele origin: inherited. Affected: yes. Observed: 1 heterozygote.

Prenatal Diagnosis Unit, University Medical Center at Ho Chi Minh City, University of Medicine and Pharmacy at Ho Chi Minh City
Classification: Likely pathogenic for Distichiasis-lymphedema syndrome. Last evaluated: 2026-01-10. Review status: criteria provided, single submitter. Criteria: ACMG Guidelines, 2015. Collection method: provider interpretation. Allele origin: unknown. Inheritance: Autosomal dominant inheritance. Observed: 1 variant allele.
Comment: This variant is present at a very low frequency in population databases (gnomAD: 1/1,614,226 alleles) and has been reported in the literature in a Chinese family with five members harboring the variant, three of whom presented with lymphedema-distichiasis syndrome (PMID: 24984567). The missense variant NM_005251.3:c.370C>T is located within the forkhead domain of FOXC2, a known mutational hot spot (PMID: 16081467). In silico analyses support a deleterious effect of this missense change on protein structure and function (CADD, REVEL, PolyPhen-2). In conclusion, this variant is classified as likely pathogenic according to the ACMG/AMP 2015 guidelines, based on the PS1, PM1, PP3, and PP4 criteria

Literature cited by the submitters: PubMed 24984567 (cited by Prenatal Diagnosis Unit, University Medical Center at Ho Chi Minh City, University of Medicine and Pharmacy at Ho Chi Minh City); PubMed 16081467 (cited by Prenatal Diagnosis Unit, University Medical Center at Ho Chi Minh City, University of Medicine and Pharmacy at Ho Chi Minh City).

NM_005251.3(FOXC2):c.370C>T (p.Leu124Phe)

Gene: FOXC2 (forkhead box C2; plus strand).
Variant type: single nucleotide variant.
Coding change: c.370C>T on transcript NM_005251.3 (MANE Select); coding-DNA position 370, C replaced by T.
Protein change: p.Leu124Phe; replaces leucine 124 with phenylalanine.
Molecular consequence: missense variant. On other transcripts: non-coding transcript variant (1).
Other names: short protein forms L124F.
Identifiers: ClinVar variation 4686722 (VCV004686722.2).
Protein context (NP_005242.1, residues 114-134): QGWQNSIRHN[Leu124Phe]SLNECFVKVP